The following is an entry in ClinVar:

ClinVar aggregate classification (germline): Likely pathogenic. Review status: criteria provided, single submitter (1 of 4 stars). 3 submissions from 3 submitters: Likely pathogenic (1). 2 of the submissions do not count toward it. Last evaluated 2025-01-20.

Conditions:
Optic atrophy 12. Also called: Optic Atrophy Type 12 (OPA12). Identifiers: MedGen C5436534, MONDO:0033549, OMIM 618977.
Optic atrophy. Identifiers: MedGen C0029124, MONDO:0003608, HP:0000648.
Sensorineural hearing loss disorder. Also called: Sensorineural hearing loss; Sensorineural hearing impairment; Sensorineural Deafness. Identifiers: MedGen C0018784, MeSH D006319, MONDO:0020678, HP:0000407.

Submissions (3):

Labcorp Genetics (formerly Invitae), Labcorp
Classification: Likely pathogenic. Last evaluated: 2025-01-20. Review status: criteria provided, single submitter. Criteria: Invitae Variant Classification Sherloc (09022015). Collection method: clinical testing. Allele origin: germline.
Comment: This sequence change replaces aspartic acid, which is acidic and polar, with glycine, which is neutral and non-polar, at codon 407 of the AFG3L2 protein (p.Asp407Gly). This variant is not present in population databases (gnomAD no frequency). This variant has not been reported in the literature in individuals affected with AFG3L2-related conditions. ClinVar contains an entry for this variant (Variation ID: 973105). Invitae Evidence Modeling of protein sequence and biophysical properties (such as structural, functional, and spatial information, amino acid conservation, physicochemical variation, residue mobility, and thermodynamic stability) indicates that this missense variant is expected to disrupt AFG3L2 protein function with a positive predictive value of 95%. This variant disrupts the p.Asp407 amino acid residue in AFG3L2. Other variant(s) that disrupt this residue have been determined to be pathogenic (internal data). This suggests that this residue is clinically significant, and that variants that disrupt this residue are likely to be disease-causing. In summary, the currently available evidence indicates that the variant is pathogenic, but additional data are needed to prove that conclusively. Therefore, this variant has been classified as Likely Pathogenic.

OMIM
Classification: Pathogenic for OPTIC ATROPHY 12. Last evaluated: 2020-08-13. Review status: no assertion criteria provided. Collection method: literature only. Allele origin: germline. Not counted in ClinVar's aggregate classification.

Neurogenetics, IRCCS Istituto delle Scienze Neurologiche di Bologna
Classification: Pathogenic for Optic atrophy; Sensorineural hearing loss disorder. Review status: no assertion criteria provided. Collection method: research, in vitro. Allele origin: germline. Affected: yes. Observed: 2 variant alleles. Not counted in ClinVar's aggregate classification.
Comment: Optic Atrophy 12, OPA12

Literature cited by the submitters: PubMed 32219868 (cited by OMIM and Neurogenetics, IRCCS Istituto delle Scienze Neurologiche di Bologna).

NM_006796.3(AFG3L2):c.1220A>G (p.Asp407Gly)

Gene: AFG3L2 (AFG3 like matrix AAA peptidase subunit 2; minus strand). Cytogenetic location: 18p11.21.
Variant type: single nucleotide variant.
Coding change: c.1220A>G on transcript NM_006796.3 (MANE Select); coding-DNA position 1220, A replaced by G.
Protein change: p.Asp407Gly; replaces aspartic acid 407 with glycine.
Molecular consequence: missense variant.
Genome position (GRCh38, 1-based): chr18:12,353,103, T>C on the plus strand (A>G on the coding strand, the complement: AFG3L2 is on the minus strand). VCF-style: chr18-12353103-T-C. GRCh37 (hg19) VCF-style: chr18-12353102-T-C.
Other names: short protein forms D407G.
Identifiers: ClinVar variation 973105 (VCV000973105.5), dbSNP rs1908371616, ClinGen allele CA401952930.
Genomic context (GRCh38, chr18:12,353,103, plus strand): 5'-TGCTCACTCTGCCCTCCAAAGTTGCCTCTTCCTCTCTTCCTTCCCACCGCATCGATTTCA[T>C]CGATGAAGAGGATGCAAGGGGCATTCTTCCGAGCAAGGGCAAATAAGTCTCGGACCTTGG-3'
Protein context (NP_006787.2, residues 397-417): RKNAPCILFI[Asp407Gly]EIDAVGRKRG